The following is an entry in ClinVar:

NM_002890.3(RASA1):c.1768C>T (p.Leu590Phe)

Genes: CCNH (cyclin H; minus strand), RASA1 (RAS p21 protein activator 1; plus strand). Cytogenetic location: 5q14.3.
Variant type: single nucleotide variant.
Coding change: c.1768C>T on transcript NM_002890.3 (MANE Select); coding-DNA position 1768, C replaced by T.
Protein change: p.Leu590Phe; replaces leucine 590 with phenylalanine.
Molecular consequence: missense variant. On other transcripts: intron variant (1).
Genome position (GRCh38, 1-based): chr5:87,372,187, C>T. VCF-style: chr5-87372187-C-T. GRCh37 (hg19) VCF-style: chr5-86668004-C-T.
Other names: c.1237C>T, p.Leu413Phe (NM_022650.3); c.933+22857G>A (NM_001364075.2); short protein forms L413F, L590F.
Identifiers: ClinVar variation 4732305 (VCV004732305.1).

ClinVar aggregate classification (germline): Uncertain significance (1 of 4 stars; one submission).

Conditions:
Capillary malformation-arteriovenous malformation syndrome. Also called: Capillary malformation-arteriovenous malformation. Identifiers: Orphanet 137667, MedGen C1842180, MONDO:0012016.

Submission:

Labcorp Genetics (formerly Invitae), Labcorp
Classification: Uncertain significance for Capillary malformation-arteriovenous malformation syndrome. Last evaluated: 2025-12-01. Review status: criteria provided, single submitter. Criteria: Invitae Variant Classification Sherloc (09022015). Collection method: clinical testing. Allele origin: germline.
Comment: This sequence change replaces leucine, which is neutral and non-polar, with phenylalanine, which is neutral and non-polar, at codon 590 of the RASA1 protein (p.Leu590Phe). This variant is not present in population databases (gnomAD no frequency). This variant has not been reported in the literature in individuals affected with RASA1-related conditions. An algorithm developed to predict the effect of missense changes on protein structure and function (PolyPhen-2) suggests that this variant is likely to be disruptive. In summary, the available evidence is currently insufficient to determine the role of this variant in disease. Therefore, it has been classified as a Variant of Uncertain Significance.